The following is an entry in ClinVar:

ClinVar aggregate classification (germline): Uncertain significance (0 of 4 stars; one submission).

Conditions:
SCAPER-related disorder. Also called: SCAPER-related condition.

gnomAD v4.1: 1 of 1,613,740 alleles (0.000062%); highest among the groups gnomAD compares: Non-Finnish European, 0.000085%; no homozygotes.

Submission:

PreventionGenetics, part of Exact Sciences
Classification: Uncertain significance for SCAPER-related condition. Last evaluated: 2024-09-26. Review status: no assertion criteria provided. Collection method: clinical testing. Allele origin: germline.
Comment: The SCAPER c.2482G>C variant is predicted to result in the amino acid substitution p.Glu828Gln. To our knowledge, this variant has not been reported in the literature or in a large population database, indicating this variant is rare. At this time, the clinical significance of this variant is uncertain due to the absence of conclusive functional and genetic evidence.

NM_020843.4(SCAPER):c.2464G>C (p.Glu822Gln)

Gene: SCAPER (S-phase cyclin A associated protein in the ER; minus strand). Cytogenetic location: 15q24.3.
Variant type: single nucleotide variant.
Coding change: c.2464G>C on transcript NM_020843.4 (MANE Select); coding-DNA position 2464, G replaced by C.
Protein change: p.Glu822Gln; replaces glutamic acid 822 with glutamine.
Molecular consequence: missense variant. On other transcripts: non-coding transcript variant (1).
Genome position (GRCh38, 1-based): chr15:76,701,802, C>G on the plus strand (G>C on the coding strand, the complement: SCAPER is on the minus strand). VCF-style: chr15-76701802-C-G. GRCh37 (hg19) VCF-style: chr15-76994143-C-G.
Other names: c.1726G>C, p.Glu576Gln (NM_001145923.2); c.2482G>C, p.Glu828Gln (NM_001353009.2); c.2062G>C, p.Glu688Gln (NM_001353010.2, NM_001353012.2); c.2080G>C, p.Glu694Gln (NM_001353011.2); short protein forms E576Q, E688Q, E694Q, E822Q, E828Q.
Identifiers: ClinVar variation 3345945 (VCV003345945.1).